The following is an entry in ClinVar:

NM_000341.4(SLC3A1):c.100A>G (p.Thr34Ala)

Gene: SLC3A1 (solute carrier family 3 member 1; plus strand). Cytogenetic location: 2p21.
Variant type: single nucleotide variant.
Coding change: c.100A>G on transcript NM_000341.4 (MANE Select); coding-DNA position 100, A replaced by G.
Protein change: p.Thr34Ala; replaces threonine 34 with alanine.
Molecular consequence: missense variant.
Genome position (GRCh38, 1-based): chr2:44,275,635, A>G. VCF-style: chr2-44275635-A-G. GRCh37 (hg19) VCF-style: chr2-44502774-A-G.
Other names: short protein forms T34A.
Identifiers: ClinVar variation 2066806 (VCV002066806.1), dbSNP rs748553507, ClinGen allele CA1640018.

ClinVar aggregate classification (germline): Uncertain significance (1 of 4 stars; one submission).

Conditions:
Cystinuria (CSNU). Also called: Cystinuria, non-type I; CYSTINURIA, TYPE I; CYSTINURIA, TYPE II; CYSTINURIA, TYPE III. Identifiers: Orphanet 214, MedGen C0010691, MONDO:0009067, OMIM 220100, HP:0003131.

Allele frequency attached by ClinVar (database versions not stated): gnomAD 0.00001; gnomAD exomes 0.00004; TOPMed 0.00006; ExAC 0.00012.
gnomAD v4.1: 53 of 1,613,986 alleles (0.0033%); highest among the groups gnomAD compares: Admixed American, 0.088%; no homozygotes.

Submission:

Labcorp Genetics (formerly Invitae), Labcorp
Classification: Uncertain significance for Cystinuria. Last evaluated: 2022-07-29. Review status: criteria provided, single submitter. Criteria: Invitae Variant Classification Sherloc (09022015). Collection method: clinical testing. Allele origin: germline.
Comment: This sequence change replaces threonine, which is neutral and polar, with alanine, which is neutral and non-polar, at codon 34 of the SLC3A1 protein (p.Thr34Ala). This variant is present in population databases (rs748553507, gnomAD 0.1%). This variant has not been reported in the literature in individuals affected with SLC3A1-related conditions. Algorithms developed to predict the effect of missense changes on protein structure and function (SIFT, PolyPhen-2, Align-GVGD) all suggest that this variant is likely to be tolerated. In summary, the available evidence is currently insufficient to determine the role of this variant in disease. Therefore, it has been classified as a Variant of Uncertain Significance.